The following is an entry in ClinVar:

NM_000046.5(ARSB):c.8C>T (p.Pro3Leu)

Genes: ARSB (arylsulfatase B; minus strand), LOC129994126 (ATAC-STARR-seq lymphoblastoid silent region 16127; plus strand). Cytogenetic location: 5q14.1.
Variant type: single nucleotide variant.
Coding change: c.8C>T on transcript NM_000046.5 (MANE Select); coding-DNA position 8, C replaced by T.
Protein change: p.Pro3Leu; replaces proline 3 with leucine.
Molecular consequence: missense variant.
Genome position (GRCh38, 1-based): chr5:78,985,241, G>A on the plus strand (C>T on the coding strand, the complement: ARSB is on the minus strand). VCF-style: chr5-78985241-G-A. GRCh37 (hg19) VCF-style: chr5-78281064-G-A.
Other names: c.8C>T, p.Pro3Leu (NM_198709.3); c.8C>T (NM_000046.3); short protein forms P3L.
Identifiers: ClinVar variation 3362370 (VCV003362370.4).

ClinVar aggregate classification (germline): Uncertain significance. Review status: criteria provided, multiple submitters, no conflicts (2 of 4 stars). 2 submissions from 2 submitters: Uncertain significance (2). Last evaluated 2025-04-02.

Conditions:
Inborn genetic diseases. Identifiers: MedGen C0950123, MeSH D030342.
Mucopolysaccharidosis type 6 (MPS6). Also called: ARSB DEFICIENCY; ARYLSULFATASE B DEFICIENCY; MPS 6; Maroteaux Lamy syndrome; MPS VI; N-ACETYLGALACTOSAMINE-4-SULFATASE DEFICIENCY. Identifiers: Orphanet 583, MedGen C0026709, MONDO:0009661, OMIM 253200.

gnomAD v4.1: 3 of 1,319,890 alleles (0.00023%); highest among the groups gnomAD compares: South Asian, 0.0042%; no homozygotes.

Submissions (2):

Ambry Genetics
Classification: Uncertain significance for Inborn genetic diseases. Last evaluated: 2025-04-02. Review status: criteria provided, single submitter. Criteria: Ambry Variant Classification Scheme 2023. Collection method: clinical testing. Allele origin: germline.

Neuberg Centre For Genomic Medicine, NCGM
Classification: Uncertain significance for Mucopolysaccharidosis type 6. Last evaluated: 2023-05-20. Review status: criteria provided, single submitter. Criteria: ACMG Guidelines, 2015. Collection method: clinical testing. Allele origin: germline. Inheritance: Autosomal recessive inheritance. Affected: yes.
Comment: The missense variant c.8C>T (p.Pro3Leu) in the ARSB gene has not been reported previously as a pathogenic variant nor as a benign variant, to our knowledge. This variant is absent in the gnomAD Exomes. The amino acid Proline at position 3 is changed to a Leucine changing protein sequence and it might alter its composition and physico-chemical properties. Multiple lines of computational evidence (Polyphen - Benign, SIFT - Tolerated and MutationTaster - Polymorphism) predict no damaging effect on protein structure and function for this variant. For these reasons, this variant has been classified as Uncertain Significance